The following is an entry in ClinVar:

NM_001204.7(BMPR2):c.602A>T (p.Asp201Val)

Gene: BMPR2 (bone morphogenetic protein receptor type 2; plus strand). Cytogenetic location: 2q33.2.
Variant type: single nucleotide variant.
Coding change: c.602A>T on transcript NM_001204.7 (MANE Select); coding-DNA position 602, A replaced by T.
Protein change: p.Asp201Val; replaces aspartic acid 201 with valine.
Molecular consequence: missense variant.
Genome position (GRCh38, 1-based): chr2:202,514,960, A>T. VCF-style: chr2-202514960-A-T. GRCh37 (hg19) VCF-style: chr2-203379683-A-T.
Other names: short protein forms D201V.
Identifiers: ClinVar variation 4843361 (VCV004843361.1).

ClinVar aggregate classification (germline): Uncertain significance (1 of 4 stars; one submission).

Conditions:
Inborn genetic diseases. Identifiers: MedGen C0950123, MeSH D030342.

gnomAD v4.1: 1 of 1,614,124 alleles (0.000062%); highest among the groups gnomAD compares: Non-Finnish European, 0.000085%; no homozygotes.

Submission:

Ambry Genetics
Classification: Uncertain significance for Inborn genetic diseases. Last evaluated: 2025-12-22. Review status: criteria provided, single submitter. Criteria: Ambry Variant Classification Scheme 2023. Collection method: clinical testing. Allele origin: germline.
Comment: The p.D201V variant (also known as c.602A>T), located in coding exon 5 of the BMPR2 gene, results from an A to T substitution at nucleotide position 602. The aspartic acid at codon 201 is replaced by valine, an amino acid with highly dissimilar properties. This amino acid position is conserved. In addition, this alteration is predicted to be deleterious by in silico analysis. Based on the available evidence, the clinical significance of this variant remains unclear.